The following is an entry in ClinVar:

ClinVar aggregate classification (germline): Benign (1 of 4 stars; one submission).

Conditions:
Sessile serrated polyposis cancer syndrome (SSPCS). Identifiers: Orphanet 157798, MedGen C4310714, MONDO:0014919, OMIM 617108.

Submission:

Myriad Genetics, Inc.
Classification: Benign for Sessile serrated polyposis cancer syndrome. Last evaluated: 2026-07-01. Review status: criteria provided, single submitter. Criteria: Myriad Autosomal Dominant, Autosomal Recessive and X-Linked Classification Criteria (2023). Collection method: clinical testing. Allele origin: unknown.
Comment: This variant is considered benign. This variant is a silent/synonymous amino acid change and it is not expected to impact splicing.

NM_017763.6(RNF43):c.1209G>A (p.Gln403=)

Gene: RNF43 (ring finger protein 43; minus strand). Cytogenetic location: 17q22.
Variant type: single nucleotide variant.
Coding change: c.1209G>A on transcript NM_017763.6 (MANE Select); coding-DNA position 1209, G replaced by A.
Protein change: p.Gln403=; no amino-acid change (glutamine 403 retained).
Molecular consequence: synonymous variant.
Genome position (GRCh38, 1-based): chr17:58,358,567, C>T on the plus strand (G>A on the coding strand, the complement: RNF43 is on the minus strand). VCF-style: chr17-58358567-C-T. GRCh37 (hg19) VCF-style: chr17-56435928-C-T.
Other names: c.1209G>A, p.Gln403= (NM_001305544.3, NM_001438820.1, NM_001438821.1 and 1 more transcripts); c.828G>A, p.Gln276= (NM_001305545.2, NM_001437987.1).
Identifiers: ClinVar variation 5042441 (VCV005042441.1).
Genomic context (GRCh38, chr17:58,358,567, plus strand): 5'-GGATTGGAGGTGGCTCAGTCCCCAGCCTTGTGCATAGGGGTGCTGGGCTCCTGCCAGGCG[C>T]TGCTGCTCTCCTGGAGCCCGGGGATGTGCAGCTCTGGGGAAGCGGTGATGCCGAGGGCCC-3'
Protein context (NP_060233.3, residues 393-413): AAHPRAPGEQ[Gln403=]RLAGAQHPYA